The following is an entry in ClinVar:

ClinVar aggregate classification (germline): Uncertain significance (1 of 4 stars; one submission).

Submission:

GeneDx
Classification: Uncertain significance. Last evaluated: 2016-03-12. Review status: criteria provided, single submitter. Criteria: GeneDx Variant Classification (06012015). Collection method: clinical testing. Allele origin: germline. Affected: yes.
Comment: The E597X variant in the SIX5 gene has not been reported previously as a pathogenic variant nor as a benign variant, to our knowledge. This variant is predicted to cause loss of normal protein function through protein truncation. The E597X variant was not observed in approximately 6500 individuals of European and African American ancestry in the NHLBI Exome Sequencing Project, indicating it is not a common benign variant in these populations. We interpret E597X as a variant of uncertain significance.

NM_175875.5(SIX5):c.1789G>T (p.Glu597Ter)

Gene: SIX5 (SIX homeobox 5; minus strand). Cytogenetic location: 19q13.32.
Variant type: single nucleotide variant.
Coding change: c.1789G>T on transcript NM_175875.5 (MANE Select); coding-DNA position 1789, G replaced by T.
Protein change: p.Glu597Ter; replaces glutamic acid 597 with a stop codon.
Molecular consequence: nonsense.
Genome position (GRCh38, 1-based): chr19:45,765,932, C>A on the plus strand (G>T on the coding strand, the complement: SIX5 is on the minus strand). VCF-style: chr19-45765932-C-A. GRCh37 (hg19) VCF-style: chr19-46269190-C-A.
Other names: short protein forms E597*.
Identifiers: ClinVar variation 488883 (VCV000488883.2), dbSNP rs1555785101, ClinGen allele CA406416867.